The following is an entry in ClinVar:

NM_001017365.3(C4BPB):c.462C>T (p.Asn154=)

Gene: C4BPB (complement component 4 binding protein beta; plus strand). Cytogenetic location: 1q32.1.
Variant type: single nucleotide variant.
Coding change: c.462C>T on transcript NM_001017365.3 (MANE Select); coding-DNA position 462, C replaced by T.
Protein change: p.Asn154=; no amino-acid change (asparagine 154 retained).
Molecular consequence: synonymous variant.
Genome position (GRCh38, 1-based): chr1:207,096,574, C>T. VCF-style: chr1-207096574-C-T. GRCh37 (hg19) VCF-style: chr1-207269919-C-T.
Other names: c.462C>T, p.Asn154= (NM_000716.3, NM_001017367.1); c.459C>T, p.Asn153= (NM_001017364.1, NM_001017366.3).
Identifiers: ClinVar variation 402449 (VCV000402449.8), dbSNP rs8942, ClinGen allele CA1367315.

ClinVar aggregate classification (germline): Benign/Likely benign. Review status: criteria provided, multiple submitters, no conflicts (2 of 4 stars). 4 submissions from 4 submitters: Benign (3); Likely benign (1). Last evaluated 2024-11-26.

Allele frequency attached by ClinVar (database versions not stated): gnomAD 0.35749 and 0.36892; ESP Exome Variant Server 0.38290; TOPMed 0.38736; 1000 Genomes Project 0.38978; 1000 Genomes Project 30x 0.40334.
gnomAD v4.1: 330,099 of 1,600,706 alleles (21%); highest among the groups gnomAD compares: African/African-American, 79%; 49,889 homozygotes.

Submissions (4):

Blueprint Genetics
Classification: Likely benign. Last evaluated: 2024-11-26. Review status: criteria provided, single submitter. Criteria: ACMG Guidelines, 2015. Collection method: clinical testing. Allele origin: germline.

GeneDx
Classification: Benign. Last evaluated: 2021-06-09. Review status: criteria provided, single submitter. Criteria: GeneDx Variant Classification Process June 2021. Collection method: clinical testing. Allele origin: germline. Affected: yes.

Laboratory for Molecular Medicine, Mass General Brigham Personalized Medicine
Classification: Benign. Last evaluated: 2016-03-28. Review status: criteria provided, single submitter. Criteria: LMM Criteria. Collection method: clinical testing. Allele origin: germline.
Comment: Variant identified in a genome or exome case(s) and assessed due to predicted null impact of the variant or pathogenic assertions in the literature or databases. Disclaimer: This variant has not undergone full assessment. The following are preliminary notes: Frequency

Breakthrough Genomics
Classification: Benign. Review status: criteria provided, single submitter. Criteria: ACMG Guidelines, 2015. Collection method: not provided. Allele origin: germline. Inheritance: Unknown mechanism. Affected: yes.